The following is an entry in ClinVar:

NM_001040436.3(YARS2):c.876A>G (p.Leu292=)

Gene: YARS2 (tyrosyl-tRNA synthetase 2; minus strand). Cytogenetic location: 12p11.21.
Variant type: single nucleotide variant.
Coding change: c.876A>G on transcript NM_001040436.3 (MANE Select); coding-DNA position 876, A replaced by G.
Protein change: p.Leu292=; no amino-acid change (leucine 292 retained).
Molecular consequence: synonymous variant.
Genome position (GRCh38, 1-based): chr12:32,753,989, T>C on the plus strand (A>G on the coding strand, the complement: YARS2 is on the minus strand). VCF-style: chr12-32753989-T-C. GRCh37 (hg19) VCF-style: chr12-32906923-T-C.
Other names: c.876A>G (NM_001040436.2).
Identifiers: ClinVar variation 2858849 (VCV002858849.5), dbSNP rs534919006, ClinGen allele CA6508076.

ClinVar aggregate classification (germline): Likely benign. Review status: criteria provided, single submitter (1 of 4 stars). 2 submissions from 2 submitters: Likely benign (1). 1 of the submissions does not count toward it. Last evaluated 2023-12-20.

Conditions:
YARS2-related disorder. Also called: YARS2-related condition.

Allele frequency attached by ClinVar (database versions not stated): ExAC 0.00002; gnomAD 0.00007; TOPMed 0.00007; 1000 Genomes Project 30x 0.00016; 1000 Genomes Project 0.00020.

Submissions (2):

Labcorp Genetics (formerly Invitae), Labcorp
Classification: Likely benign. Last evaluated: 2023-12-20. Review status: criteria provided, single submitter. Criteria: Invitae Variant Classification Sherloc (09022015). Collection method: clinical testing. Allele origin: germline.

PreventionGenetics, part of Exact Sciences
Classification: Likely benign for YARS2-related condition. Last evaluated: 2019-03-04. Review status: no assertion criteria provided. Collection method: clinical testing. Allele origin: germline. Not counted in ClinVar's aggregate classification.
Comment: This variant is classified as likely benign based on ACMG/AMP sequence variant interpretation guidelines (Richards et al. 2015 PMID: 25741868, with internal and published modifications).